The following is an entry in ClinVar:

NM_000441.2(SLC26A4):c.165-3_165-2del

Gene: SLC26A4 (solute carrier family 26 member 4; plus strand). Cytogenetic location: 7q22.3.
Variant type: Deletion.
Coding change: c.165-3_165-2del on transcript NM_000441.2 (MANE Select); 3 bases into the intron before coding-DNA position 165 through the canonical splice acceptor site of the intron before coding-DNA position 165, 2 bases deleted (CA; older notation c.165-3_165-2delCA).
Molecular consequence: splice acceptor variant.
Genome position (GRCh38, 1-based): chr7:107,663,293-107,663,294, CA deleted; deleting any 2 consecutive bases within chr7:107,663,292-107,663,294 gives the same sequence; the c. name uses the placement nearest the transcript's 3' end. VCF-style (leftmost placement, unchanged base first): chr7-107663291-GAC-G. GRCh37 (hg19) VCF-style: chr7-107303736-GAC-G.
Identifiers: ClinVar variation 4977344 (VCV004977344.1).

ClinVar aggregate classification (germline): Uncertain significance (1 of 4 stars; one submission).

Conditions:
SLC26A4-related disorder. Also called: SLC26A4-related condition; SLC26A4-related disorders.

Submission:

PreventionGenetics, part of Exact Sciences
Classification: Uncertain significance for SLC26A4-related condition. Last evaluated: 2025-03-11. Review status: criteria provided, single submitter. Criteria: ACMG Guidelines, 2015. Collection method: clinical testing. Allele origin: germline.
Comment: The SLC26A4 c.165-3_165-2delCA variant is predicted to result in a deletion affecting a canonical splice site. This variant is predicted to weaken the canonical splice acceptor site, although computational predictions are not equivalent to functional evidence (SpliceAI, Jaganathan et al. 2019. PubMed ID: 30661751). To our knowledge, this variant has not been reported in the literature. This variant is reported in 0.023% of alleles in individuals of African descent in gnomAD. Although we suspect that this variant may be pathogenic, at this time, the clinical significance of this variant is uncertain due to the absence of conclusive functional and genetic evidence.